The following is an entry in ClinVar:

NM_024422.6(DSC2):c.2147G>C (p.Cys716Ser)

Gene: DSC2 (desmocollin 2; minus strand). Cytogenetic location: 18q12.1.
Variant type: single nucleotide variant.
Coding change: c.2147G>C on transcript NM_024422.6 (MANE Select); coding-DNA position 2147, G replaced by C.
Protein change: p.Cys716Ser; replaces cysteine 716 with serine.
Molecular consequence: missense variant.
Genome position (GRCh38, 1-based): chr18:31,070,829, C>G on the plus strand (G>C on the coding strand, the complement: DSC2 is on the minus strand). VCF-style: chr18-31070829-C-G. GRCh37 (hg19) VCF-style: chr18-28650795-C-G.
Other names: c.2147G>C, p.Cys716Ser (NM_004949.5); short protein forms C716S.
Identifiers: ClinVar variation 199770 (VCV000199770.10), dbSNP rs764008863, ClinGen allele CA022618.

ClinVar aggregate classification (germline): Uncertain significance. Review status: criteria provided, multiple submitters, no conflicts (2 of 4 stars). 4 submissions from 4 submitters: Uncertain significance (4). Last evaluated 2025-07-14.

Conditions:
Cardiovascular phenotype. Identifiers: MedGen CN230736.
Familial isolated arrhythmogenic right ventricular dysplasia. Identifiers: Orphanet 217656, MedGen C4274968, MONDO:0016342.
Cardiomyopathy (CMYO). Also called: Cardiomyopathies. Identifiers: Orphanet 167848, MedGen C0878544, MONDO:0004994, HP:0001638. Inheritance: Various modes of inheritance.
Arrhythmogenic right ventricular dysplasia 11. Also called: Arrhythmogenic right ventricular dysplasia 11 with mild palmoplantar keratoderma and woolly hair; Arrhythmogenic Right Ventricular Dysplasia/Cardiomyopathy11; ARRHYTHMOGENIC RIGHT VENTRICULAR DYSPLASIA, FAMILIAL, 11. Identifiers: MedGen C1864850, MONDO:0012506, OMIM 610476.

Allele frequency attached by ClinVar (database versions not stated): TOPMed 0.00001; gnomAD 0.00001.
gnomAD v4.1: 7 of 1,613,746 alleles (0.00043%); highest among the groups gnomAD compares: Non-Finnish European, 0.00051%; no homozygotes.

Submissions (4):

Color Diagnostics, LLC DBA Color Health
Classification: Uncertain significance for Cardiomyopathy. Last evaluated: 2025-07-14. Review status: criteria provided, single submitter. Criteria: ACMG Guidelines, 2015. Collection method: clinical testing. Allele origin: germline.
Comment: This missense variant replaces cysteine with serine at codon 716 of the DSC2 protein. Computational prediction suggests that this variant may not impact protein structure and function. To our knowledge, functional studies have not been reported for this variant. This variant has not been reported in individuals affected with DSC2-related disorders in the literature. This variant has not been identified in the general population by the Genome Aggregation Database (gnomAD). The available evidence is insufficient to determine the role of this variant in disease conclusively. Therefore, this variant is classified as a Variant of Uncertain Significance.

All of Us Research Program, National Institutes of Health
Classification: Uncertain significance for Familial isolated arrhythmogenic right ventricular dysplasia. Last evaluated: 2023-03-28. Review status: criteria provided, single submitter. Criteria: ACMG Guidelines, 2015. Collection method: clinical testing. Allele origin: germline. Inheritance: Autosomal dominant inheritance. Observed: 1 variant allele, 1 heterozygote.
Comment: This study involves interpretation of variants in research participants for the purpose of population health screening. Participant phenotype was not available at the time of variant classification. Additional details can be found in publication PMID: 35346344, PMCID: PMC8962531

Labcorp Genetics (formerly Invitae), Labcorp
Classification: Uncertain significance for Arrhythmogenic right ventricular dysplasia 11. Last evaluated: 2021-08-28. Review status: criteria provided, single submitter. Criteria: Invitae Variant Classification Sherloc (09022015). Collection method: clinical testing. Allele origin: germline.
Comment: This sequence change replaces cysteine with serine at codon 716 of the DSC2 protein (p.Cys716Ser). The cysteine residue is highly conserved and there is a moderate physicochemical difference between cysteine and serine. This variant is not present in population databases (ExAC no frequency). This variant has not been reported in the literature in individuals affected with DSC2-related conditions. Algorithms developed to predict the effect of missense changes on protein structure and function (SIFT, PolyPhen-2, Align-GVGD) all suggest that this variant is likely to be disruptive. In summary, the available evidence is currently insufficient to determine the role of this variant in disease. Therefore, it has been classified as a Variant of Uncertain Significance.

Ambry Genetics
Classification: Uncertain significance for Cardiovascular phenotype. Last evaluated: 2021-05-20. Review status: criteria provided, single submitter. Criteria: Ambry Variant Classification Scheme 2023. Collection method: clinical testing. Allele origin: germline.
Comment: The p.C716S variant (also known as c.2147G>C), located in coding exon 14 of the DSC2 gene, results from a G to C substitution at nucleotide position 2147. The cysteine at codon 716 is replaced by serine, an amino acid with dissimilar properties. This amino acid position is well conserved in available vertebrate species. In addition, the in silico prediction for this alteration is inconclusive. Since supporting evidence is limited at this time, the clinical significance of this alteration remains unclear.